The following is an entry in ClinVar:

NM_032273.4(TMEM126A):c.352C>T (p.Pro118Ser)

Gene: TMEM126A (transmembrane protein 126A; plus strand). Cytogenetic location: 11q14.1.
Variant type: single nucleotide variant.
Coding change: c.352C>T on transcript NM_032273.4 (MANE Select); coding-DNA position 352, C replaced by T.
Protein change: p.Pro118Ser; replaces proline 118 with serine.
Molecular consequence: missense variant.
Genome position (GRCh38, 1-based): chr11:85,655,665, C>T. VCF-style: chr11-85655665-C-T. GRCh37 (hg19) VCF-style: chr11-85366709-C-T.
Other names: c.142C>T, p.Pro48Ser (NM_001244735.2); short protein forms P118S, P48S.
Identifiers: ClinVar variation 2443431 (VCV002443431.2), dbSNP rs761921048, ClinGen allele CA6212767.

ClinVar aggregate classification (germline): Uncertain significance. Review status: criteria provided, multiple submitters, no conflicts (2 of 4 stars). 2 submissions from 2 submitters: Uncertain significance (2). Last evaluated 2025-10-24.

Allele frequency attached by ClinVar (database versions not stated): TOPMed 0.00001; gnomAD exomes below 0.00001; ExAC 0.00001.
gnomAD v4.1: 1 of 1,613,512 alleles (0.000062%); highest among the groups gnomAD compares: African/African-American, 0.0013%; no homozygotes.

Submissions (2):

Ambry Genetics
Classification: Uncertain significance. Last evaluated: 2025-10-24. Review status: criteria provided, single submitter. Criteria: Ambry Variant Classification Scheme 2023. Collection method: clinical testing. Allele origin: germline.

GeneDx
Classification: Uncertain significance. Last evaluated: 2022-09-09. Review status: criteria provided, single submitter. Criteria: GeneDx Variant Classification Process June 2021. Collection method: clinical testing. Allele origin: germline. Affected: yes.
Comment: Not observed at significant frequency in large population cohorts (gnomAD); In silico analysis supports that this missense variant has a deleterious effect on protein structure/function; Has not been previously published as pathogenic or benign to our knowledge